The following is an entry in ClinVar:

NM_000722.4(CACNA2D1):c.1156A>G (p.Thr386Ala)

Genes: CACNA2D1 (calcium voltage-gated channel auxiliary subunit alpha2delta 1; minus strand), CACNA2D1-AS1 (CACNA2D1 antisense RNA 1; plus strand). Cytogenetic location: 7q21.11.
Variant type: single nucleotide variant.
Coding change: c.1156A>G on transcript NM_000722.4 (MANE Select); coding-DNA position 1156, A replaced by G.
Protein change: p.Thr386Ala; replaces threonine 386 with alanine.
Molecular consequence: missense variant.
Genome position (GRCh38, 1-based): chr7:82,014,467, T>C on the plus strand (A>G on the coding strand, the complement: CACNA2D1 is on the minus strand). VCF-style: chr7-82014467-T-C. GRCh37 (hg19) VCF-style: chr7-81643783-T-C.
Other names: c.1156A>G, p.Thr386Ala (NM_001366867.1); short protein forms T386A.
Identifiers: ClinVar variation 1496888 (VCV001496888.6), dbSNP rs2130949881, ClinGen allele CA367878315.
Genomic context (GRCh38, chr7:82,014,467, plus strand): 5'-TTTCACAGGCCATCCACTGAATAGGTCCTCTGTCATAATTGTGTTGACCAACTGAAAACG[T>C]GAATACACGTACCTGGATGAATTGAAAAATAGGTATTCATTAGGCTGAATAAAATTTAAT-3'
Protein context (NP_000713.2, residues 376-396): YNKDKKVRVF[Thr386Ala]FSVGQHNYDR

ClinVar aggregate classification (germline): Uncertain significance (1 of 4 stars; one submission).

Conditions:
Brugada syndrome. Also called: Sudden unexpected nocturnal death syndrome; Sudden unexplained nocturnal death syndrome; Sudden Unexplained Death Syndrome; Sudden Unexplained Nocturnal Death Syndrome (SUNDS). Identifiers: Orphanet 130, MedGen C1142166, MONDO:0015263.

Submission:

Labcorp Genetics (formerly Invitae), Labcorp
Classification: Uncertain significance for Brugada syndrome. Last evaluated: 2021-09-21. Review status: criteria provided, single submitter. Criteria: Invitae Variant Classification Sherloc (09022015). Collection method: clinical testing. Allele origin: germline.
Comment: This sequence change replaces threonine with alanine at codon 386 of the CACNA2D1 protein (p.Thr386Ala). The threonine residue is highly conserved and there is a small physicochemical difference between threonine and alanine. This variant is not present in population databases (ExAC no frequency). This variant has not been reported in the literature in individuals affected with CACNA2D1-related conditions. Algorithms developed to predict the effect of missense changes on protein structure and function are either unavailable or do not agree on the potential impact of this missense change (SIFT: "Tolerated"; PolyPhen-2: "Probably Damaging"; Align-GVGD: "Class C0"). In summary, the available evidence is currently insufficient to determine the role of this variant in disease. Therefore, it has been classified as a Variant of Uncertain Significance.